The following is an entry in ClinVar:

ClinVar aggregate classification (germline): Likely benign (1 of 4 stars; one submission).

Allele frequency attached by ClinVar (database versions not stated): gnomAD exomes 0.00001; TOPMed 0.00001.
gnomAD v4.1: 12 of 814,430 alleles (0.0015%); highest among the groups gnomAD compares: Non-Finnish European, 0.0016%; no homozygotes.

Submission:

GeneDx
Classification: Likely benign. Last evaluated: 2016-09-27. Review status: criteria provided, single submitter. Criteria: GeneDx Variant Classification (06012015). Collection method: clinical testing. Allele origin: germline. Affected: yes.
Comment: This variant is considered likely benign or benign based on one or more of the following criteria: it is a conservative change, it occurs at a poorly conserved position in the protein, it is predicted to be benign by multiple in silico algorithms, and/or has population frequency not consistent with disease.

NM_001164508.2(NEB):c.16189C>T (p.Arg5397Cys)

Gene: NEB (nebulin; minus strand). Cytogenetic location: 2q23.3.
Variant type: single nucleotide variant.
Coding change: c.16189C>T on transcript NM_001164508.2 (MANE Select); coding-DNA position 16189, C replaced by T.
Protein change: p.Arg5397Cys; replaces arginine 5397 with cysteine.
Molecular consequence: missense variant. On other transcripts: intron variant (1).
Genome position (GRCh38, 1-based): chr2:151,581,578, G>A on the plus strand (C>T on the coding strand, the complement: NEB is on the minus strand). VCF-style: chr2-151581578-G-A. GRCh37 (hg19) VCF-style: chr2-152438092-G-A.
Other names: c.16189C>T, p.Arg5397Cys (NM_001164507.2, NM_001271208.2); c.11602-5224C>T (NM_004543.5); short protein forms R5397C.
Identifiers: ClinVar variation 389012 (VCV000389012.1), dbSNP rs973719257, ClinGen allele CA16603861.